The following is an entry in ClinVar:

NM_002382.5(MAX):c.243C>A (p.His81Gln)

Gene: MAX (MYC associated transcriptional regulator X; minus strand). Cytogenetic location: 14q23.3.
Variant type: single nucleotide variant.
Coding change: c.243C>A on transcript NM_002382.5 (MANE Select); coding-DNA position 243, C replaced by A.
Protein change: p.His81Gln; replaces histidine 81 with glutamine.
Molecular consequence: missense variant. On other transcripts: 5 prime UTR variant (1), intron variant (2).
Genome position (GRCh38, 1-based): chr14:65,077,965, G>T on the plus strand (C>A on the coding strand, the complement: MAX is on the minus strand). VCF-style: chr14-65077965-G-T. GRCh37 (hg19) VCF-style: chr14-65544683-G-T.
Other names: c.-32C>A (NM_001320415.2, NM_001407105.1, NM_001407106.1 and 1 more transcripts); c.243C>A, p.His81Gln (NM_001407094.1, NM_001407096.1, NM_001407097.1 and 3 more transcripts); c.216C>A, p.His72Gln (NM_001407095.1, NM_001407099.1, NM_001407100.1 and 6 more transcripts); c.135C>A, p.His45Gln (NM_001407098.1); c.-125C>A (NM_001407111.1, NM_001407112.1); c.144+15743C>A (NM_001271069.2); c.171+15743C>A (NM_197957.4); short protein forms H81Q, H72Q, H45Q.
Identifiers: ClinVar variation 1441588 (VCV001441588.10), dbSNP rs1242630320, ClinGen allele CA390035616.

ClinVar aggregate classification (germline): Uncertain significance. Review status: criteria provided, multiple submitters, no conflicts (2 of 4 stars). 2 submissions from 2 submitters: Uncertain significance (2). Last evaluated 2026-07-06.

Conditions:
Hereditary cancer-predisposing syndrome. Also called: Hereditary Cancer Syndrome; Tumor predisposition; Neoplastic Syndromes, Hereditary; Hereditary neoplastic syndrome. Identifiers: Orphanet 140162, MedGen C0027672, MeSH D009386, MONDO:0015356.
Hereditary pheochromocytoma and paraganglioma. Also called: Hereditary paragangliomas and pheochromocytomas; Hereditary pheochromocytoma-paraganglioma; Hereditary Paraganglioma-Pheochromocytoma Syndromes. Identifiers: Orphanet 29072, MedGen C4274332, MONDO:0017366.

Submissions (2):

Ambry Genetics
Classification: Uncertain significance for Hereditary cancer-predisposing syndrome. Last evaluated: 2026-07-06. Review status: criteria provided, single submitter. Criteria: Ambry Variant Classification Scheme 2023. Collection method: clinical testing. Allele origin: germline.
Comment: The p.H81Q variant (also known as c.243C>A), located in coding exon 4 of the MAX gene, results from a C to A substitution at nucleotide position 243. The histidine at codon 81 is replaced by glutamine, an amino acid with highly similar properties. This amino acid position is conserved. In addition, this alteration is predicted to be deleterious by in silico analysis. Based on the available evidence, the clinical significance of this variant remains unclear.

Labcorp Genetics (formerly Invitae), Labcorp
Classification: Uncertain significance for Hereditary pheochromocytoma and paraganglioma. Last evaluated: 2021-06-26. Review status: criteria provided, single submitter. Criteria: Invitae Variant Classification Sherloc (09022015). Collection method: clinical testing. Allele origin: germline.
Comment: In summary, the available evidence is currently insufficient to determine the role of this variant in disease. Therefore, it has been classified as a Variant of Uncertain Significance. Algorithms developed to predict the effect of missense changes on protein structure and function are either unavailable or do not agree on the potential impact of this missense change (SIFT: "Tolerated"; PolyPhen-2: "Possibly Damaging"; Align-GVGD: "Class C0"). This variant has not been reported in the literature in individuals with MAX-related conditions. This variant is not present in population databases (ExAC no frequency). This sequence change replaces histidine with glutamine at codon 81 of the MAX protein (p.His81Gln). The histidine residue is highly conserved and there is a small physicochemical difference between histidine and glutamine.